The following is an entry in ClinVar:

ClinVar aggregate classification (germline): Uncertain significance (1 of 4 stars; one submission).

Submission:

Ambry Genetics
Classification: Uncertain significance. Last evaluated: 2026-03-29. Review status: criteria provided, single submitter. Criteria: Ambry Variant Classification Scheme 2023. Collection method: clinical testing. Allele origin: germline.
Comment: The p.K198E variant (also known as c.592A>G), located in coding exon 5 of the RECQL gene, results from an A to G substitution at nucleotide position 592. The lysine at codon 198 is replaced by glutamic acid, an amino acid with similar properties. This amino acid position is conserved. In addition, the in silico prediction for this alteration is inconclusive. Based on the available evidence, the clinical significance of this variant remains unclear.

NM_002907.4(RECQL):c.592A>G (p.Lys198Glu)

Gene: RECQL (RecQ like helicase; minus strand). Cytogenetic location: 12p12.1.
Variant type: single nucleotide variant.
Coding change: c.592A>G on transcript NM_002907.4 (MANE Select); coding-DNA position 592, A replaced by G.
Protein change: p.Lys198Glu; replaces lysine 198 with glutamic acid.
Molecular consequence: missense variant.
Genome position (GRCh38, 1-based): chr12:21,483,484, T>C on the plus strand (A>G on the coding strand, the complement: RECQL is on the minus strand). VCF-style: chr12-21483484-T-C. GRCh37 (hg19) VCF-style: chr12-21636418-T-C.
Other names: c.592A>G, p.Lys198Glu (NM_032941.3); short protein forms K198E.
Identifiers: ClinVar variation 4863113 (VCV004863113.1).
Genomic context (GRCh38, chr12:21,483,484, plus strand): 5'-CAGCAATTCGAGTAAATCTCCTTGCTTCATAGGCTTTCTCTAGTCTTGACATAAACATTT[T>C]GCTTTTTGCAATTTTCTCTGGAGTCACATAAATCAGCTTTAACTCGGAGTTTTTATTTAC-3'
Protein context (NP_002898.2, residues 188-208): YVTPEKIAKS[Lys198Glu]MFMSRLEKAY